The following is an entry in ClinVar:

NM_007294.4(BRCA1):c.3860A>G (p.Glu1287Gly)

Genes: BRCA1 (BRCA1 DNA repair associated; minus strand), LOC126862571 (BRD4-independent group 4 enhancer GRCh37_chr17:41243136-41244335; plus strand). Cytogenetic location: 17q21.31.
Variant type: single nucleotide variant.
Coding change: c.3860A>G on transcript NM_007294.4 (MANE Select); coding-DNA position 3860, A replaced by G.
Protein change: p.Glu1287Gly; replaces glutamic acid 1287 with glycine.
Molecular consequence: missense variant. On other transcripts: intron variant (135).
Genome position (GRCh38, 1-based): chr17:43,091,671, T>C on the plus strand (A>G on the coding strand, the complement: BRCA1 is on the minus strand). VCF-style: chr17-43091671-T-C. GRCh37 (hg19) VCF-style: chr17-41243688-T-C.
Other names: c.3647A>G, p.Glu1216Gly (NM_001407571.1, NM_001407853.1, NM_001407894.1 and 9 more transcripts); c.3860A>G, p.Glu1287Gly (NM_001407581.1, NM_001407582.1, NM_001407583.1 and 30 more transcripts); c.3857A>G, p.Glu1286Gly (NM_001407587.1, NM_001407590.1, NM_001407591.1 and 22 more transcripts); c.3851A>G, p.Glu1284Gly (NM_001407646.1, NM_001407647.1); c.3737A>G, p.Glu1246Gly (NM_001407648.1, NM_001407664.1, NM_001407665.1 and 19 more transcripts); c.3734A>G, p.Glu1245Gly (NM_001407649.1, NM_001407670.1, NM_001407671.1 and 11 more transcripts); c.3782A>G, p.Glu1261Gly (NM_001407653.1, NM_001407654.1, NM_001407655.1 and 4 more transcripts); c.3779A>G, p.Glu1260Gly (NM_001407659.1, NM_001407660.1, NM_001407661.1 and 1 more transcripts); and 41 more; short protein forms E1240G, E1287G, E1176G, E1199G, E1217G, E1239G, E1245G, E1119G.
Identifiers: ClinVar variation 1477696 (VCV001477696.10), dbSNP rs2053510326, ClinGen allele CA10594241.

ClinVar aggregate classification (germline): Conflicting classifications of pathogenicity. Review status: criteria provided, conflicting classifications (1 of 4 stars). 3 submissions from 3 submitters: Uncertain significance (2); Likely benign (1). Last evaluated 2024-08-19.

Conditions:
Hereditary cancer-predisposing syndrome. Also called: Tumor predisposition; Hereditary Cancer Syndrome; Hereditary neoplastic syndrome; Neoplastic Syndromes, Hereditary. Identifiers: Orphanet 140162, MedGen C0027672, MeSH D009386, MONDO:0015356.
Hereditary breast ovarian cancer syndrome. Also called: Hereditary breast and ovarian cancer; BRCA1- and BRCA2-Associated Hereditary Breast and Ovarian Cancer; Hereditary breast and ovarian cancer syndrome; Hereditary breast and ovarian cancer syndrome (HBOC); Breast and ovarian cancer; Hereditary breast and/or ovarian cancer syndrome. Identifiers: Orphanet 145, MedGen C0677776, MeSH D061325, MONDO:0003582. Disease mechanism: loss of function.

Submissions (3):

Ambry Genetics
Classification: Uncertain significance for Hereditary cancer-predisposing syndrome. Last evaluated: 2024-08-19. Review status: criteria provided, single submitter. Criteria: Ambry Variant Classification Scheme 2023. Collection method: clinical testing. Allele origin: germline.
Comment: The p.E1287G variant (also known as c.3860A>G), located in coding exon 9 of the BRCA1 gene, results from an A to G substitution at nucleotide position 3860. The glutamic acid at codon 1287 is replaced by glycine, an amino acid with similar properties. This amino acid position is conserved. In addition, the in silico prediction for this alteration is inconclusive. Based on the available evidence, the clinical significance of this variant remains unclear.

University of Washington Department of Laboratory Medicine, University of Washington
Classification: Likely benign for Hereditary cancer-predisposing syndrome. Last evaluated: 2023-03-23. Review status: criteria provided, single submitter. Criteria: Dines et al. (Genet Med. 2020). Collection method: curation. Allele origin: germline.
Comment: Missense variant in a coldspot region where missense variants are very unlikely to be pathogenic (PMID:31911673).

BRCA1 coldspot (exon 11 using historical exon numbering). Reclassification based on statistical prior probability

Labcorp Genetics (formerly Invitae), Labcorp
Classification: Uncertain significance for Hereditary breast ovarian cancer syndrome. Last evaluated: 2022-12-17. Review status: criteria provided, single submitter. Criteria: Invitae Variant Classification Sherloc (09022015). Collection method: clinical testing. Allele origin: germline.
Comment: This variant is not present in population databases (gnomAD no frequency). This sequence change replaces glutamic acid, which is acidic and polar, with glycine, which is neutral and non-polar, at codon 1287 of the BRCA1 protein (p.Glu1287Gly). This variant has not been reported in the literature in individuals affected with BRCA1-related conditions. ClinVar contains an entry for this variant (Variation ID: 1477696). Advanced modeling of protein sequence and biophysical properties (such as structural, functional, and spatial information, amino acid conservation, physicochemical variation, residue mobility, and thermodynamic stability) performed at Invitae indicates that this missense variant is not expected to disrupt BRCA1 protein function. In summary, the available evidence is currently insufficient to determine the role of this variant in disease. Therefore, it has been classified as a Variant of Uncertain Significance.